The following is an entry in ClinVar:

ClinVar aggregate classification (germline): Conflicting classifications of pathogenicity. Review status: criteria provided, conflicting classifications (1 of 4 stars). 2 submissions from 2 submitters: Uncertain significance (1); Likely benign (1). Last evaluated 2024-06-07.

Submissions (2):

Labcorp Genetics (formerly Invitae), Labcorp
Classification: Likely benign. Last evaluated: 2024-06-07. Review status: criteria provided, single submitter. Criteria: Invitae Variant Classification Sherloc (09022015). Collection method: clinical testing. Allele origin: germline.

GeneDx
Classification: Uncertain significance. Last evaluated: 2019-07-08. Review status: criteria provided, single submitter. Criteria: GeneDx Variant Classification Process June 2021. Collection method: clinical testing. Allele origin: germline. Affected: yes.
Comment: Not observed in large population cohorts (Lek et al., 2016); Has not been previously published as pathogenic or benign to our knowledge; In silico analysis, which includes splice predictors and evolutionary conservation, suggests this variant may impact gene splicing. In the absence of RNA/functional studies, the actual effect of this sequence change is unknown.

NM_001042750.2(STAG2):c.1822-16TAT[2]

Gene: STAG2 (STAG2 cohesin complex component; plus strand). Cytogenetic location: Xq25.
Variant type: Microsatellite.
Coding change: c.1822-16TAT[2] on transcript NM_001042750.2 (MANE Select); two copies in a row of the 3-base unit TAT starting at c.1822-16.
Molecular consequence: intron variant.
Genome position: GRCh38 VCF-style: chrX-124063831-ATAT-A. GRCh37 (hg19) VCF-style: chrX-123197681-ATAT-A.
Other names: c.1822-16TAT[2] (NM_001042749.2, NM_001375366.1, NM_001375373.1 and 13 more transcripts).
Identifiers: ClinVar variation 1315844 (VCV001315844.9), dbSNP rs1356736514, ClinGen allele CA870997138.